The following is an entry in ClinVar:

ClinVar aggregate classification (germline): Uncertain significance (1 of 4 stars; one submission).

Conditions:
Developmental and epileptic encephalopathy 94 (DEE94). Also called: Epileptic encephalopathy, childhood-onset; CHD2-Related Neurodevelopmental Disorders. Identifiers: Orphanet 1942, Orphanet 2382, MedGen C3809278, MONDO:0014150, OMIM 615369.

Submission:

Labcorp Genetics (formerly Invitae), Labcorp
Classification: Uncertain significance for Developmental and epileptic encephalopathy 94. Last evaluated: 2024-06-10. Review status: criteria provided, single submitter. Criteria: Invitae Variant Classification Sherloc (09022015). Collection method: clinical testing. Allele origin: germline.
Comment: This sequence change replaces tyrosine, which is neutral and polar, with aspartic acid, which is acidic and polar, at codon 1715 of the CHD2 protein (p.Tyr1715Asp). This variant is not present in population databases (gnomAD no frequency). This variant has not been reported in the literature in individuals affected with CHD2-related conditions. Advanced modeling of protein sequence and biophysical properties (such as structural, functional, and spatial information, amino acid conservation, physicochemical variation, residue mobility, and thermodynamic stability) performed at Invitae indicates that this missense variant is not expected to disrupt CHD2 protein function with a negative predictive value of 95%. In summary, the available evidence is currently insufficient to determine the role of this variant in disease. Therefore, it has been classified as a Variant of Uncertain Significance.

NM_001271.4(CHD2):c.5143T>G (p.Tyr1715Asp)

Gene: CHD2 (chromodomain helicase DNA binding protein 2; plus strand). Cytogenetic location: 15q26.1.
Variant type: single nucleotide variant.
Coding change: c.5143T>G on transcript NM_001271.4 (MANE Select); coding-DNA position 5143, T replaced by G.
Protein change: p.Tyr1715Asp; replaces tyrosine 1715 with aspartic acid.
Molecular consequence: missense variant.
Genome position (GRCh38, 1-based): chr15:93,020,248, T>G. VCF-style: chr15-93020248-T-G. GRCh37 (hg19) VCF-style: chr15-93563478-T-G.
Other names: short protein forms Y1715D.
Identifiers: ClinVar variation 3636697 (VCV003636697.2).
Genomic context (GRCh38, chr15:93,020,248, plus strand): 5'-TCCAGAAAGAGGCCTTATGACCAGTACAGCAGTGACCGAGACCACCGGGGACACAGAGAT[T>G]ATTATGACAGGTATGCAAAAGGCTGTGAGACACCAGGTGCCAACCTTTGCCAGGAGCTGT-3'
Protein context (NP_001262.3, residues 1705-1725): SDRDHRGHRD[Tyr1715Asp]YDRHHHDSKR